The following is an entry in ClinVar:

NM_001101362.3(KBTBD13):c.888del (p.Gly297fs)

Gene: KBTBD13 (kelch repeat and BTB domain containing 13; plus strand). Cytogenetic location: 15q22.31.
Variant type: Deletion.
Coding change: c.888del on transcript NM_001101362.3 (MANE Select); coding-DNA position 888, one base deleted (C; older notation c.888delC).
Protein change: p.Gly297fs; shifts the reading frame from glycine 297.
Molecular consequence: frameshift variant.
Genome position (GRCh38, 1-based): chr15:65,077,703, C deleted; the last of 2 consecutive C bases (chr15:65,077,702-65,077,703); deleting either gives the same sequence. VCF-style (leftmost placement, unchanged base first): chr15-65077701-GC-G. GRCh37 (hg19) VCF-style: chr15-65370039-GC-G.
Other names: short protein forms G297fs.
Identifiers: ClinVar variation 2912632 (VCV002912632.3), dbSNP rs2506310661, ClinGen allele CA2739269503.

ClinVar aggregate classification (germline): Uncertain significance (1 of 4 stars; one submission).

Conditions:
Nemaline myopathy 6 (NEM6). Also called: Nemaline myopathy 6, autosomal dominant. Identifiers: Orphanet 171439, MedGen C1836472, MONDO:0012237, OMIM 609273.

Submission:

Labcorp Genetics (formerly Invitae), Labcorp
Classification: Uncertain significance for Nemaline myopathy 6. Last evaluated: 2023-11-04. Review status: criteria provided, single submitter. Criteria: Invitae Variant Classification Sherloc (09022015). Collection method: clinical testing. Allele origin: germline.
Comment: This sequence change creates a premature translational stop signal (p.Gly297Alafs*145) in the KBTBD13 gene. While this is not anticipated to result in nonsense mediated decay, it is expected to disrupt the last 162 amino acid(s) of the KBTBD13 protein. This variant is not present in population databases (gnomAD no frequency). This variant has not been reported in the literature in individuals affected with KBTBD13-related conditions. Experimental studies and prediction algorithms are not available or were not evaluated, and the functional significance of this variant is currently unknown. In summary, the available evidence is currently insufficient to determine the role of this variant in disease. Therefore, it has been classified as a Variant of Uncertain Significance.